The following is an entry in ClinVar:

ClinVar aggregate classification (germline): Benign/Likely benign. Review status: criteria provided, multiple submitters, no conflicts (2 of 4 stars). 4 submissions from 4 submitters: Benign (1); Likely benign (3). Last evaluated 2025-05-13.

Conditions:
Hereditary cancer-predisposing syndrome. Also called: Neoplastic Syndromes, Hereditary; Tumor predisposition; Hereditary Cancer Syndrome; Hereditary neoplastic syndrome. Identifiers: Orphanet 140162, MedGen C0027672, MeSH D009386, MONDO:0015356.
Familial adenomatous polyposis 1 (FAP1). Also called: FAMILIAL ADENOMATOUS POLYPOSIS 1, ATTENUATED; POLYPOSIS, ADENOMATOUS INTESTINAL. Identifiers: MedGen C2713442, MONDO:0021056, OMIM 175100. Disease mechanism: loss of function.

Submissions (4):

Labcorp Genetics (formerly Invitae), Labcorp
Classification: Likely benign for Familial adenomatous polyposis 1. Last evaluated: 2025-05-13. Review status: criteria provided, single submitter. Criteria: Invitae Variant Classification Sherloc (09022015). Collection method: clinical testing. Allele origin: germline.

Myriad Genetics, Inc.
Classification: Benign for Familial adenomatous polyposis 1. Last evaluated: 2024-02-22. Review status: criteria provided, single submitter. Criteria: Myriad Autosomal Dominant, Autosomal Recessive and X-Linked Classification Criteria (2023). Collection method: clinical testing. Allele origin: unknown.
Comment: This variant is considered benign. This variant is a silent/synonymous amino acid change and it is not expected to impact splicing.

Women's Health and Genetics/Laboratory Corporation of America, LabCorp
Classification: Likely benign. Last evaluated: 2023-08-12. Review status: criteria provided, single submitter. Criteria: LabCorp Variant Classification Summary - May 2015. Collection method: clinical testing. Allele origin: germline.

Ambry Genetics
Classification: Likely benign for Hereditary cancer-predisposing syndrome. Last evaluated: 2016-12-02. Review status: criteria provided, single submitter. Criteria: Ambry Variant Classification Scheme 2023. Collection method: clinical testing. Allele origin: germline.

NM_000038.6(APC):c.168A>G (p.Glu56=)

Gene: APC (APC regulator of Wnt signaling pathway; plus strand). Cytogenetic location: 5q22.2.
Variant type: single nucleotide variant.
Coding change: c.168A>G on transcript NM_000038.6 (MANE Select); coding-DNA position 168, A replaced by G.
Protein change: p.Glu56=; no amino-acid change (glutamic acid 56 retained).
Molecular consequence: synonymous variant. On other transcripts: 5 prime UTR variant (4).
Genome position (GRCh38, 1-based): chr5:112,766,358, A>G. VCF-style: chr5-112766358-A-G. GRCh37 (hg19) VCF-style: chr5-112102055-A-G.
Other names: c.168A>G, p.Glu56= (NM_001127510.3, NM_001354895.2, NM_001354896.2 and 2 more transcripts); c.198A>G, p.Glu66= (NM_001127511.3, NM_001354897.2, NM_001354902.2); c.93A>G, p.Glu31= (NM_001354898.2, NM_001354904.2); c.-10A>G (NM_001354900.2, NM_001354901.2, NM_001354905.2); c.-868A>G (NM_001354906.2).
Identifiers: ClinVar variation 482431 (VCV000482431.13), dbSNP rs1554069532, ClinGen allele CA445752995.
Genomic context (GRCh38, chr5:112,766,358, plus strand): 5'-TGTTAATATATTGTGTTCTTTTTAACAGGAAGTACTTAAACAACTACAAGGAAGTATTGA[A>G]GATGAAGCTATGGCTTCTTCTGGACAGATTGATTTATTAGAGCGTCTTAAAGGTAGATTT-3'
Protein context (NP_000029.2, residues 46-66): EVLKQLQGSI[Glu56=]DEAMASSGQI